The following is an entry in ClinVar:

NM_001103.4(ACTN2):c.241+131C>T

Gene: ACTN2 (actinin alpha 2; plus strand). Cytogenetic location: 1q43.
Variant type: single nucleotide variant.
Coding change: c.241+131C>T on transcript NM_001103.4 (MANE Select); 131 bases into the intron after coding-DNA position 241, C replaced by T.
Molecular consequence: intron variant.
Genome position (GRCh38, 1-based): chr1:236,718,103, C>T. VCF-style: chr1-236718103-C-T. GRCh37 (hg19) VCF-style: chr1-236881403-C-T.
Other names: c.-581+131C>T (NM_001278344.2); c.241+131C>T (NM_001278343.2).
Identifiers: ClinVar variation 671982 (VCV000671982.5), dbSNP rs2275399, ClinGen allele CA10861437.
Genomic context (GRCh38, chr1:236,718,103, plus strand): 5'-ACATCAGAAGTTCGCTTTGAACTTGGCTGGGCAAGAACATGGTATTATTGCCAAAGAAAA[C>T]CTTTCCAAAGAACAATCTGCCTGGAGTTATTTTTCCGTTCTAAAAAAAGGAGTGAATTCT-3'

ClinVar aggregate classification (germline): Benign. Review status: criteria provided, multiple submitters, no conflicts (2 of 4 stars). 3 submissions from 3 submitters: Benign (3). Last evaluated 2021-07-14.

Conditions:
Myopathy, congenital, with structured cores and z-line abnormalities. Also called: MULTIPLE STRUCTURED CORE DISEASE; CONGENITAL MYOPATHY 8. Identifiers: MedGen C5231445, MONDO:0032852, OMIM 618654.

Allele frequency attached by ClinVar (database versions not stated): 1000 Genomes Project 30x 0.35087; 1000 Genomes Project 0.35843; TOPMed 0.42576; gnomAD 0.45532 and 0.45672; gnomAD exomes 0.56107.
gnomAD v4.1: 393,458 of 730,788 alleles (54%); highest among the groups gnomAD compares: Non-Finnish European, 62%; 114,008 homozygotes.

Submissions (3):

Genome-Nilou Lab
Classification: Benign for Myopathy, congenital, with structured cores and z-line abnormalities. Last evaluated: 2021-07-14. Review status: criteria provided, single submitter. Criteria: ACMG Guidelines, 2015. Collection method: clinical testing. Allele origin: germline. Affected: no.

GeneDx
Classification: Benign. Last evaluated: 2018-06-14. Review status: criteria provided, single submitter. Criteria: GeneDx Variant Classification (06012015). Collection method: clinical testing. Allele origin: germline. Affected: yes.
Comment: This variant is considered likely benign or benign based on one or more of the following criteria: it is a conservative change, it occurs at a poorly conserved position in the protein, it is predicted to be benign by multiple in silico algorithms, and/or has population frequency not consistent with disease.

Breakthrough Genomics
Classification: Benign. Review status: criteria provided, single submitter. Criteria: ACMG Guidelines, 2015. Collection method: not provided. Allele origin: germline. Inheritance: Autosomal dominant inheritance. Affected: yes.